The following is an entry in ClinVar:

NM_000069.3(CACNA1S):c.2284G>C (p.Ala762Pro)

Gene: CACNA1S (calcium voltage-gated channel subunit alpha1 S; minus strand). Cytogenetic location: 1q32.1.
Variant type: single nucleotide variant.
Coding change: c.2284G>C on transcript NM_000069.3 (MANE Select); coding-DNA position 2284, G replaced by C.
Protein change: p.Ala762Pro; replaces alanine 762 with proline.
Molecular consequence: missense variant.
Genome position (GRCh38, 1-based): chr1:201,070,348, C>G on the plus strand (G>C on the coding strand, the complement: CACNA1S is on the minus strand). VCF-style: chr1-201070348-C-G. GRCh37 (hg19) VCF-style: chr1-201039476-C-G.
Other names: short protein forms A762P.
Identifiers: ClinVar variation 3074375 (VCV003074375.1), dbSNP rs772552403, ClinGen allele CA078920.
Genomic context (GRCh38, chr1:201,070,348, plus strand): 5'-AGATGAAGAAGGAGCTGGCTTCTGGAATGGGCACGGCCTTCTCTTTCAGCTGCAGCTCAG[C>G]CAGGGGACGTGGTCGGGGGCTCAGCGGGATCTCAGGCTCATCTTCCTCGTCATCCCCTGT-3'
Protein context (NP_000060.2, residues 752-772): IPLSPRPRPL[Ala762Pro]ELQLKEKAVP

ClinVar aggregate classification (germline): Uncertain significance (1 of 4 stars; one submission).

Conditions:
Malignant hyperthermia, susceptibility to, 5 (MHS5). Also called: CACNA1S-Related Malignant Hyperthermia Susceptibility. Identifiers: Orphanet 423, MedGen C1866077, MONDO:0011163, OMIM 601887.

Allele frequency attached by ClinVar (database versions not stated): gnomAD exomes below 0.00001; ExAC 0.00001.
gnomAD v4.1: 1 of 1,614,088 alleles (0.000062%); highest among the groups gnomAD compares: South Asian, 0.0011%; no homozygotes.

Submission:

All of Us Research Program, National Institutes of Health
Classification: Uncertain significance for Malignant hyperthermia, susceptibility to, 5. Last evaluated: 2023-11-02. Review status: criteria provided, single submitter. Criteria: ACMG Guidelines, 2015. Collection method: clinical testing. Allele origin: germline. Inheritance: Autosomal dominant inheritance. Observed: 1 variant allele, 1 heterozygote.
Comment: This missense variant replaces alanine with proline at codon 762 of the CACNA1S protein. Computational prediction is inconclusive regarding the impact of this variant on protein structure and function (internally defined REVEL score threshold 0.5 < inconclusive < 0.7, PMID: 27666373). To our knowledge, functional studies have not been reported for this variant. This variant has not been reported in individuals affected with CACNA1S-related disorders in the literature. This variant has been identified in 1/251404 chromosomes in the general population by the Genome Aggregation Database (gnomAD). The available evidence is insufficient to determine the role of this variant in disease conclusively. Therefore, this variant is classified as a Variant of Uncertain Significance.

This study involves interpretation of variants in research participants for the purpose of population health screening. Participant phenotype was not available at the time of variant classification. Additional details can be found in publication PMID: 35346344, PMCID: PMC8962531